The following is an entry in ClinVar:

ClinVar aggregate classification (germline): Uncertain significance. Review status: criteria provided, multiple submitters, no conflicts (2 of 4 stars). 2 submissions from 2 submitters: Uncertain significance (2). Last evaluated 2023-10-03.

Allele frequency attached by ClinVar (database versions not stated): gnomAD exomes 0.00003; ExAC 0.00007; 1000 Genomes Project 30x 0.00016; 1000 Genomes Project 0.00020; gnomAD 0.00003.

Submissions (2):

Ambry Genetics
Classification: Uncertain significance. Last evaluated: 2023-10-03. Review status: criteria provided, single submitter. Criteria: Ambry Variant Classification Scheme 2023. Collection method: clinical testing. Allele origin: germline.

Labcorp Genetics (formerly Invitae), Labcorp
Classification: Uncertain significance. Last evaluated: 2022-09-26. Review status: criteria provided, single submitter. Criteria: Invitae Variant Classification Sherloc (09022015). Collection method: clinical testing. Allele origin: germline.
Comment: This sequence change replaces arginine, which is basic and polar, with glutamine, which is neutral and polar, at codon 1223 of the ITSN2 protein (p.Arg1223Gln). This variant has not been reported in the literature in individuals affected with ITSN2-related conditions. This variant is present in population databases (rs550433341, gnomAD 0.07%), and has an allele count higher than expected for a pathogenic variant. Algorithms developed to predict the effect of missense changes on protein structure and function are either unavailable or do not agree on the potential impact of this missense change (SIFT: "Tolerated"; PolyPhen-2: "Not Available"; Align-GVGD: "Class C0"). In summary, the available evidence is currently insufficient to determine the role of this variant in disease. Therefore, it has been classified as a Variant of Uncertain Significance.

NM_006277.3(ITSN2):c.3668G>A (p.Arg1223Gln)

Gene: ITSN2 (intersectin 2; minus strand). Cytogenetic location: 2p23.3.
Variant type: single nucleotide variant.
Coding change: c.3668G>A on transcript NM_006277.3 (MANE Select); coding-DNA position 3668, G replaced by A.
Protein change: p.Arg1223Gln; replaces arginine 1223 with glutamine.
Molecular consequence: missense variant.
Genome position (GRCh38, 1-based): chr2:24,220,976, C>T on the plus strand (G>A on the coding strand, the complement: ITSN2 is on the minus strand). VCF-style: chr2-24220976-C-T. GRCh37 (hg19) VCF-style: chr2-24443845-C-T.
Other names: c.3626G>A, p.Arg1209Gln (NM_001348181.2); c.3548G>A, p.Arg1183Gln (NM_001348182.2); c.3587G>A, p.Arg1196Gln (NM_019595.4); c.3668G>A, p.Arg1223Gln (NM_147152.3); c.3668G>A (NM_006277.2); short protein forms R1183Q, R1209Q, R1196Q, R1223Q.
Identifiers: ClinVar variation 2200842 (VCV002200842.5), dbSNP rs550433341, ClinGen allele CA1550857.
Genomic context (GRCh38, chr2:24,220,976, plus strand): 5'-CGAGAGCTAGCCAGCAGCAGCCTCCTCACCTCGACGACGAGCTGAAGGTCAGCCATGTAC[C>T]GCTCTTCGGTCTGAATCAGCTCATGAATATAGCCCTGTCTTTTCCTCTCAATTGGCTGCA-3'
Protein context (NP_006268.2, residues 1213-1233): YIHELIQTEE[Arg1223Gln]YMADLQLVVE